The following is an entry in ClinVar:

GRCh38/hg38 17p11.2(chr17:16879232-20390725)x1

Genes: MAPK7 (mitogen-activated protein kinase 7; plus strand), MED9 (mediator complex subunit 9; plus strand), MFAP4 (microfibril associated protein 4; minus strand), MIEF2 (mitochondrial elongation factor 2; plus strand), MIR1180 (microRNA 1180; minus strand) and 239 more. Cytogenetic location: 17p11.2.
Variant type: copy number loss.
Change: copy number 1 (one copy instead of two) of chr17:16,879,232-20,390,725 (3.51 Mb, GRCh38 coordinates, 1-based), cytogenetic band 17p11.2.
Identifiers: ClinVar variation 57035 (VCV000057035.1).

ClinVar aggregate classification (germline): Pathogenic (1 of 4 stars; one submission).

Submission:

ISCA site 4
Classification: Pathogenic. Last evaluated: 2011-08-12. Review status: criteria provided, single submitter. Criteria: Kaminsky et al. (Genet Med. 2011). Collection method: clinical testing. Allele origin: unknown. Affected: yes. Observed: 2 variant alleles.
Comment: Copy number variation identified through the course of routine clinical cytogenomic testing in postnatal populations. Clinical assertions have been curated as described in Kaminsky et al. 2011.